The following is an entry in ClinVar:

NM_014921.5(ADGRL1):c.3033+5G>A

Genes: ADGRL1 (adhesion G protein-coupled receptor L1; minus strand), ADGRL1-AS1 (ADGRL1 antisense RNA 1; plus strand). Cytogenetic location: 19p13.12.
Variant type: single nucleotide variant.
Coding change: c.3033+5G>A on transcript NM_014921.5 (MANE Select); 5 bases into the intron after coding-DNA position 3033, G replaced by A.
Molecular consequence: intron variant.
Genome position (GRCh38, 1-based): chr19:14,156,653, C>T on the plus strand (G>A on the coding strand, the complement: ADGRL1 is on the minus strand). VCF-style: chr19-14156653-C-T. GRCh37 (hg19) VCF-style: chr19-14267465-C-T.
Other names: c.3048+5G>A (NM_001008701.3).
Identifiers: ClinVar variation 3272221 (VCV003272221.1).

ClinVar aggregate classification (germline): Uncertain significance (1 of 4 stars; one submission).

Conditions:
Inborn genetic diseases. Identifiers: MedGen C0950123, MeSH D030342.

Submission:

Ambry Genetics
Classification: Uncertain significance for Inborn genetic diseases. Last evaluated: 2024-04-22. Review status: criteria provided, single submitter. Criteria: Ambry Variant Classification Scheme 2023. Collection method: clinical testing. Allele origin: germline.
Comment: The c.3048+5G>A intronic alteration results from a G to A substitution 5 nucleotides after coding exon 16 in the ADGRL1 gene. This variant was not reported in population-based cohorts in the Genome Aggregation Database (gnomAD). This nucleotide position is highly conserved in available vertebrate species. In silico splice site analysis predicts that this alteration may weaken the native splice donor site and will result in the creation or strengthening of a novel splice donor site. Based on insufficient or conflicting evidence, the clinical significance of this alteration remains unclear.